The following is an entry in ClinVar:

NM_000020.3(ACVRL1):c.217C>G (p.His73Asp)

Gene: ACVRL1 (activin A receptor like type 1; plus strand). Cytogenetic location: 12q13.13.
Variant type: single nucleotide variant.
Coding change: c.217C>G on transcript NM_000020.3 (MANE Select); coding-DNA position 217, C replaced by G.
Protein change: p.His73Asp; replaces histidine 73 with aspartic acid.
Molecular consequence: missense variant. On other transcripts: intron variant (1).
Genome position (GRCh38, 1-based): chr12:51,913,254, C>G. VCF-style: chr12-51913254-C-G. GRCh37 (hg19) VCF-style: chr12-52307038-C-G.
Other names: c.217C>G, p.His73Asp (NM_001077401.2, NM_001406487.1, NM_001406488.1 and 6 more transcripts); c.61+719C>G (NM_001406495.1); short protein forms H73D.
Identifiers: ClinVar variation 2606916 (VCV002606916.3), dbSNP rs1210200256, ClinGen allele CA384897925.

ClinVar aggregate classification (germline): Uncertain significance. Review status: criteria provided, multiple submitters, no conflicts (2 of 4 stars). 2 submissions from 2 submitters: Uncertain significance (2). Last evaluated 2025-11-04.

Conditions:
Cardiovascular phenotype. Identifiers: MedGen CN230736.
Telangiectasia, hereditary hemorrhagic, type 2 (HHT2). Also called: ACVRL1-Related Hereditary Hemorrhagic Telangiectasia; Telangiectasia, hereditary hemorrhagic, type II. Identifiers: Orphanet 774, MedGen C1838163, MONDO:0010880, OMIM 600376. Disease mechanism: loss of function.

Allele frequency attached by ClinVar (database versions not stated): gnomAD exomes below 0.00001; TOPMed below 0.00001.
gnomAD v4.1: 3 of 1,594,576 alleles (0.00019%); highest among the groups gnomAD compares: South Asian, 0.0023%; no homozygotes.

Submissions (2):

Labcorp Genetics (formerly Invitae), Labcorp
Classification: Uncertain significance for Telangiectasia, hereditary hemorrhagic, type 2. Last evaluated: 2025-11-04. Review status: criteria provided, single submitter. Criteria: Invitae Variant Classification Sherloc (09022015). Collection method: clinical testing. Allele origin: germline.
Comment: This sequence change replaces histidine, which is basic and polar, with aspartic acid, which is acidic and polar, at codon 73 of the ACVRL1 protein (p.His73Asp). This variant is not present in population databases (gnomAD no frequency). This variant has not been reported in the literature in individuals affected with ACVRL1-related conditions. ClinVar contains an entry for this variant (Variation ID: 2606916). Invitae Evidence Modeling of protein sequence and biophysical properties (such as structural, functional, and spatial information, amino acid conservation, physicochemical variation, residue mobility, and thermodynamic stability) indicates that this missense variant is not expected to disrupt ACVRL1 protein function with a negative predictive value of 80%. In summary, the available evidence is currently insufficient to determine the role of this variant in disease. Therefore, it has been classified as a Variant of Uncertain Significance.

Ambry Genetics
Classification: Uncertain significance for Cardiovascular phenotype. Last evaluated: 2023-07-17. Review status: criteria provided, single submitter. Criteria: Ambry Variant Classification Scheme 2023. Collection method: clinical testing. Allele origin: germline.